The following is an entry in ClinVar:

ClinVar aggregate classification (germline): Pathogenic. Review status: criteria provided, multiple submitters, no conflicts (2 of 4 stars). 2 submissions from 2 submitters: Pathogenic (2). Last evaluated 2025-05-07.

Conditions:
Aniridia 1 (AN1). Identifiers: Orphanet 250923, MedGen C0344542, MONDO:0024507, OMIM 106210.
Irido-corneo-trabecular dysgenesis (ASGD5). Also called: ANTERIOR SEGMENT DYSGENESIS 5. Identifiers: Orphanet 708, MedGen C0344559, MONDO:0011414, OMIM 604229, HP:0000659.

Submissions (2):

Labcorp Genetics (formerly Invitae), Labcorp
Classification: Pathogenic for Aniridia 1; Irido-corneo-trabecular dysgenesis. Last evaluated: 2025-05-07. Review status: criteria provided, single submitter. Criteria: Invitae Variant Classification Sherloc (09022015). Collection method: clinical testing. Allele origin: germline.
Comment: This sequence change creates a premature translational stop signal (p.Val120Cysfs*4) in the PAX6 gene. It is expected to result in an absent or disrupted protein product. Loss-of-function variants in PAX6 are known to be pathogenic (PMID: 12634864). This variant is not present in population databases (gnomAD no frequency). This premature translational stop signal has been observed in individual(s) with Waardenburg syndrome (PMID: 9279758). ClinVar contains an entry for this variant (Variation ID: 284286). Algorithms developed to predict the effect of sequence changes on RNA splicing suggest that this variant may disrupt the consensus splice site. For these reasons, this variant has been classified as Pathogenic.

Eurofins Ntd Llc (ga)
Classification: Pathogenic. Last evaluated: 2015-11-09. Review status: criteria provided, single submitter. Criteria: EGL Classification Definitions 2015. Collection method: clinical testing. Allele origin: germline. Observed: 1 variant allele, 1 heterozygote.

Literature cited by the submitters: PubMed 12634864 (cited by Labcorp Genetics (formerly Invitae), Labcorp); PubMed 9279758 (cited by Labcorp Genetics (formerly Invitae), Labcorp).

NC_000011.10:g.31800857del

Gene: PAX6 (paired box 6; minus strand). Cytogenetic location: 11p13.
Variant type: Deletion.
Genome position: GRCh38 VCF-style: chr11-31800855-AC-A. GRCh37 (hg19) VCF-style: chr11-31822403-AC-A.
Identifiers: ClinVar variation 284286 (VCV000284286.15), dbSNP rs886042838, ClinGen allele CA10604749.
Genomic context (GRCh38, chr11:31,800,855, plus strand): 5'-TCTGCGCCCATCTGTTGCTTTTCGCTAGCCAGGTTGCGAAGAACTCTGTTTATTGATGAC[AC>A]CTGCAAATCAAACCAAAATCAAACCAAATGGTAGTGTCTCCTGAAGACACAGTCACCCAT-3'